The following is an entry in ClinVar:

NM_205836.3(FBXO38):c.3031A>C (p.Thr1011Pro)

Gene: FBXO38 (F-box protein 38; plus strand). Cytogenetic location: 5q32.
Variant type: single nucleotide variant.
Coding change: c.3031A>C on transcript NM_205836.3 (MANE Select); coding-DNA position 3031, A replaced by C.
Protein change: p.Thr1011Pro; replaces threonine 1011 with proline.
Molecular consequence: missense variant.
Genome position (GRCh38, 1-based): chr5:148,439,653, A>C. VCF-style: chr5-148439653-A-C. GRCh37 (hg19) VCF-style: chr5-147819216-A-C.
Other names: c.2296A>C, p.Thr766Pro (NM_001271723.2); c.2806A>C, p.Thr936Pro (NM_030793.5); short protein forms T766P, T1011P, T936P.
Identifiers: ClinVar variation 1799045 (VCV001799045.2), dbSNP rs1389669161, ClinGen allele CA361660668.
Genomic context (GRCh38, chr5:148,439,653, plus strand): 5'-GATTTCTAAGGCATTCTCTTTGTTGAAGACATCTCTTTATGATGTCTTCCACAGGTGGAC[A>C]CTCTAACTTTGGAGCAGAAGCTATTTAGTGGTCCCTACCCCTATCACATCTGTATTATCC-3'
Protein context (NP_995308.1, residues 1001-1021): IYLRPMQQVD[Thr1011Pro]LTLEQKLFSG

ClinVar aggregate classification (germline): Uncertain significance (1 of 4 stars; one submission).

Allele frequency attached by ClinVar (database versions not stated): gnomAD exomes 0.00001.
gnomAD v4.1: 15 of 1,603,026 alleles (0.00094%); highest among the groups gnomAD compares: Non-Finnish European, 0.0013%; no homozygotes.

Submission:

Ambry Genetics
Classification: Uncertain significance. Last evaluated: 2021-12-20. Review status: criteria provided, single submitter. Criteria: Ambry Variant Classification Scheme 2023. Collection method: clinical testing. Allele origin: germline.
Comment: The p.T1011P variant (also known as c.3031A>C), located in coding exon 18 of the FBXO38 gene, results from an A to C substitution at nucleotide position 3031. The threonine at codon 1011 is replaced by proline, an amino acid with highly similar properties. This amino acid position is well conserved in available vertebrate species. In addition, the in silico prediction for this alteration is inconclusive. Since supporting evidence is limited at this time, the clinical significance of this alteration remains unclear.